The following is an entry in ClinVar:

ClinVar aggregate classification (germline): Uncertain significance. Review status: criteria provided, multiple submitters, no conflicts (2 of 4 stars). 2 submissions from 2 submitters: Uncertain significance (2). Last evaluated 2025-08-04.

Conditions:
Combined immunodeficiency due to OX40 deficiency. Also called: Immunodeficiency 16; OX40 DEFICIENCY. Identifiers: Orphanet 431149, MedGen C3810053, MONDO:0014268, OMIM 615593.

Allele frequency attached by ClinVar (database versions not stated): TOPMed below 0.00001; gnomAD 0.00002; gnomAD exomes 0.00005 and 0.00010; 1000 Genomes Project 30x 0.00016; ExAC 0.00016.
gnomAD v4.1: 71 of 1,608,562 alleles (0.0044%); highest among the groups gnomAD compares: South Asian, 0.075%; 1 homozygote.

Submissions (2):

Ambry Genetics
Classification: Uncertain significance. Last evaluated: 2025-08-04. Review status: criteria provided, single submitter. Criteria: Ambry Variant Classification Scheme 2023. Collection method: clinical testing. Allele origin: germline.

Labcorp Genetics (formerly Invitae), Labcorp
Classification: Uncertain significance for Combined immunodeficiency due to OX40 deficiency. Last evaluated: 2024-11-05. Review status: criteria provided, single submitter. Criteria: Invitae Variant Classification Sherloc (09022015). Collection method: clinical testing. Allele origin: germline.
Comment: This sequence change replaces serine, which is neutral and polar, with arginine, which is basic and polar, at codon 91 of the TNFRSF4 protein (p.Ser91Arg). This variant is present in population databases (rs762686787, gnomAD 0.08%), and has an allele count higher than expected for a pathogenic variant. This variant has not been reported in the literature in individuals affected with TNFRSF4-related conditions. ClinVar contains an entry for this variant (Variation ID: 1467779). An algorithm developed to predict the effect of missense changes on protein structure and function (PolyPhen-2) suggests that this variant is likely to be disruptive. In summary, the available evidence is currently insufficient to determine the role of this variant in disease. Therefore, it has been classified as a Variant of Uncertain Significance.

NM_003327.4(TNFRSF4):c.273T>A (p.Ser91Arg)

Gene: TNFRSF4 (TNF receptor superfamily member 4; minus strand). Cytogenetic location: 1p36.33.
Variant type: single nucleotide variant.
Coding change: c.273T>A on transcript NM_003327.4 (MANE Select); coding-DNA position 273, T replaced by A.
Protein change: p.Ser91Arg; replaces serine 91 with arginine.
Molecular consequence: missense variant.
Genome position (GRCh38, 1-based): chr1:1,213,089, A>T on the plus strand (T>A on the coding strand, the complement: TNFRSF4 is on the minus strand). VCF-style: chr1-1213089-A-T. GRCh37 (hg19) VCF-style: chr1-1148469-A-T.
Other names: c.273T>A (NM_003327.3); short protein forms S91R.
Identifiers: ClinVar variation 1467779 (VCV001467779.10), dbSNP rs762686787, ClinGen allele CA512542.
Genomic context (GRCh38, chr1:1,213,089, plus strand): 5'-CGCCCGGCAGCGGCAGACTGTGTCCTGTGTGGCCGTGCACAGCTGCTTCCGCTCACTCCC[A>T]CTTCCTGAGCAGGGGCCGGATGGGGGGGTGGTCAGGTGGGGGCTGTGGACAGGGTCCTCA-3'
Protein context (NP_003318.1, residues 81-101): CKPCTWCNLR[Ser91Arg]GSERKQLCTA